The following is an entry in ClinVar:

NM_198428.3(BBS9):c.702+1G>T

Gene: BBS9 (Bardet-Biedl syndrome 9; plus strand). Cytogenetic location: 7p14.3.
Variant type: single nucleotide variant.
Coding change: c.702+1G>T on transcript NM_198428.3 (MANE Select); the canonical splice donor site of the intron after coding-DNA position 702, G replaced by T.
Molecular consequence: splice donor variant.
Genome position (GRCh38, 1-based): chr7:33,264,375, G>T. VCF-style: chr7-33264375-G-T. GRCh37 (hg19) VCF-style: chr7-33303987-G-T.
Other names: c.702+1G>T (NM_001348036.1, NM_001362679.1, NM_001348041.4 and 5 more transcripts); c.429+1G>T (NM_001348038.3, NM_001348039.3); c.336+1G>T (NM_001348037.3, NM_001348045.3, NM_001348046.3 and 1 more transcripts); c.567+1G>T (NM_001348042.3).
Identifiers: ClinVar variation 2731710 (VCV002731710.3), dbSNP rs2128325966, ClinGen allele CA367253661.

ClinVar aggregate classification (germline): Likely pathogenic (1 of 4 stars; one submission).

Conditions:
Bardet-Biedl syndrome (BBS). Identifiers: Orphanet 110, MedGen C0752166, MONDO:0015229.

Submission:

Labcorp Genetics (formerly Invitae), Labcorp
Classification: Likely pathogenic for Bardet-Biedl syndrome. Last evaluated: 2023-06-28. Review status: criteria provided, single submitter. Criteria: Invitae Variant Classification Sherloc (09022015). Collection method: clinical testing. Allele origin: germline.
Comment: This sequence change affects a donor splice site in intron 7 of the BBS9 gene. It is expected to disrupt RNA splicing. Variants that disrupt the donor or acceptor splice site typically lead to a loss of protein function (PMID: 16199547), and loss-of-function variants in BBS9 are known to be pathogenic (PMID: 16380913, 20177705). This variant is not present in population databases (gnomAD no frequency). This variant has not been reported in the literature in individuals affected with BBS9-related conditions. Algorithms developed to predict the effect of sequence changes on RNA splicing suggest that this variant may disrupt the consensus splice site. In summary, the currently available evidence indicates that the variant is pathogenic, but additional data are needed to prove that conclusively. Therefore, this variant has been classified as Likely Pathogenic.

Literature cited by the submitters: PubMed 16199547; PubMed 16380913; PubMed 20177705.